The following is an entry in ClinVar:

NM_000843.4(GRM6):c.1732C>A (p.Arg578Ser)

Genes: ZNF454 (zinc finger protein 454; plus strand), GRM6 (glutamate metabotropic receptor 6; minus strand). Cytogenetic location: 5q35.3.
Variant type: single nucleotide variant.
Coding change: c.1732C>A on transcript NM_000843.4 (MANE Select); coding-DNA position 1732, C replaced by A.
Protein change: p.Arg578Ser; replaces arginine 578 with serine.
Molecular consequence: missense variant.
Genome position (GRCh38, 1-based): chr5:178,986,522, G>T on the plus strand (C>A on the coding strand, the complement: GRM6 is on the minus strand). VCF-style: chr5-178986522-G-T. GRCh37 (hg19) VCF-style: chr5-178413523-G-T.
Other names: short protein forms R578S.
Identifiers: ClinVar variation 1520526 (VCV001520526.6), dbSNP rs62638210, ClinGen allele CA362427456.

ClinVar aggregate classification (germline): Uncertain significance (1 of 4 stars; one submission).

Submission:

Labcorp Genetics (formerly Invitae), Labcorp
Classification: Uncertain significance. Last evaluated: 2021-09-30. Review status: criteria provided, single submitter. Criteria: Invitae Variant Classification Sherloc (09022015). Collection method: clinical testing. Allele origin: germline.
Comment: In summary, the available evidence is currently insufficient to determine the role of this variant in disease. Therefore, it has been classified as a Variant of Uncertain Significance. Algorithms developed to predict the effect of sequence changes on RNA splicing suggest that this variant may create or strengthen a splice site. Advanced modeling of protein sequence and biophysical properties (such as structural, functional, and spatial information, amino acid conservation, physicochemical variation, residue mobility, and thermodynamic stability) performed at Invitae indicates that this missense variant is not expected to disrupt GRM6 protein function. This variant has not been reported in the literature in individuals affected with GRM6-related conditions. This variant is not present in population databases (ExAC no frequency). This sequence change replaces arginine with serine at codon 578 of the GRM6 protein (p.Arg578Ser). The arginine residue is moderately conserved and there is a moderate physicochemical difference between arginine and serine.